The following is an entry in ClinVar:

NM_014874.4(MFN2):c.820C>T (p.Arg274Trp)

Gene: MFN2 (mitofusin 2; plus strand). Cytogenetic location: 1p36.22.
Variant type: single nucleotide variant.
Coding change: c.820C>T on transcript NM_014874.4 (MANE Select); coding-DNA position 820, C replaced by T.
Protein change: p.Arg274Trp; replaces arginine 274 with tryptophan.
Molecular consequence: missense variant.
Genome position (GRCh38, 1-based): chr1:12,001,404, C>T. VCF-style: chr1-12001404-C-T. GRCh37 (hg19) VCF-style: chr1-12061461-C-T.
Other names: c.820C>T, p.Arg274Trp (NM_001127660.2); c.820C>T (NM_014874.3); short protein forms R274W.
Identifiers: ClinVar variation 1456072 (VCV001456072.12), dbSNP rs762440627, ClinGen allele CA598948.

ClinVar aggregate classification (germline): Conflicting classifications of pathogenicity. Review status: criteria provided, conflicting classifications (1 of 4 stars). 6 submissions from 6 submitters: Pathogenic (3); Likely pathogenic (1); Uncertain significance (2). Last evaluated 2026-08-25.

Conditions:
Multiple symmetric lipomatosis. Also called: Madelung disease; Benign symmetrical lipomatosis; Launois-Bensaude syndrome; Madelung's disease; LIPODYSTROPHY, CEPHALOTHORACIC. Identifiers: Orphanet 2398, MedGen C0023804, MONDO:0007908, OMIM 151800.
Charcot-Marie-Tooth disease type 2A2. Also called: Charcot-Marie-Tooth Neuropathy Type 2A2; CHARCOT-MARIE-TOOTH DISEASE, AXONAL, AUTOSOMAL DOMINANT, TYPE 2A2A; CHARCOT-MARIE-TOOTH DISEASE, AXONAL, TYPE 2A2; CHARCOT-MARIE-TOOTH DISEASE, NEURONAL, TYPE 2A2; HEREDITARY MOTOR AND SENSORY NEUROPATHY IIA2; HMSN IIA2. Identifiers: Orphanet 99947, MedGen C4721887, MONDO:0012231, OMIM 609260.
Neuropathy, hereditary motor and sensory, type 6A (HMSN6A). Also called: NEUROPATHY, HEREDITARY MOTOR AND SENSORY, TYPE VIA, WITH OPTIC ATROPHY; HMSN VIA; CHARCOT-MARIE-TOOTH DISEASE, TYPE 6A; NEUROPATHY, HEREDITARY MOTOR AND SENSORY, TYPE VIA. Identifiers: MedGen CN305336, MONDO:0011002, OMIM 601152.
Charcot-Marie-Tooth disease, axonal, autosomal recessive, type 2a2b;. Also called: Charcot-Marie-Tooth disease, axonal, type 2A2B; Charcot-Marie-Tooth disease, axonal, autosomal recessive, type 2A2B. Identifiers: MedGen C4310725, MONDO:0014906, OMIM 617087.
MFN2-related disorder. Also called: MFN2-related disorders; MFN2-related condition.
Charcot-Marie-Tooth disease type 2. Also called: Charcot-Marie-Tooth type 2. Identifiers: Orphanet 64746, MedGen C0270914, MONDO:0018993.

Allele frequency attached by ClinVar (database versions not stated): gnomAD 0.00001 and 0.00002; gnomAD exomes 0.00001 and 0.00002; TOPMed 0.00002; ExAC 0.00003.
gnomAD v4.1: 18 of 1,613,370 alleles (0.0011%); highest among the groups gnomAD compares: Middle Eastern, 0.017%; no homozygotes.

Submissions (6):

GeneDx
Classification: Likely pathogenic. Last evaluated: 2026-08-25. Review status: criteria provided, single submitter. Criteria: GeneDx Variant Classification Process June 2021. Collection method: clinical testing. Allele origin: germline.
Comment: Observed with another MFN2 variant on the opposite allele (in trans) in a patient in published literature with CMT; the p.(R274W) variant was inherited from the unaffected father, the other variant was inherited from the mother with CMT, and the proband with both variants was reported to have a more severe phenotype and earlier onset (PMID: 34721278); In silico analysis supports that this missense variant has a deleterious effect on protein structure/function; This variant is associated with the following publications: (PMID: 40995860, 28076385, 35326504, 26581383, 33074106, 24863639, 30442897, 34721278, 40175090, 42248856, Versini2026[article])

CeGaT Center for Human Genetics Tuebingen
Classification: Pathogenic. Last evaluated: 2026-08-01. Review status: criteria provided, single submitter. Criteria: CeGaT Center For Human Genetics Tuebingen Variant Classification Criteria Version 2. Collection method: clinical testing. Allele origin: germline. Affected: yes. Observed: 1 variant allele.
Comment: MFN2: PM1, PM5, PM6, PM2:Supporting, PP3, PS3:Supporting, PS4:Supporting

3billion
Classification: Pathogenic for MFN2-related disorder. Last evaluated: 2025-12-17. Review status: criteria provided, single submitter. Criteria: ACMG Guidelines, 2015. Collection method: clinical testing. Allele origin: germline. Affected: yes.
Comment: The variant is observed at an extremely low frequency in the gnomAD v4.1.0 dataset (total allele frequency: 0.001%). Predicted Consequence/Location: Missense variant In silico tool predictions suggest damaging effect of the variant on gene or gene product [REVEL: 0.83 (>=0.6, sensitivity 0.68 and specificity 0.92); 3Cnet: 0.89 (> 0.75, sensitivity 0.96 and precision 0.92)]. The same nucleotide change resulting in the same amino acid change has been previously reported as pathogenic/likely pathogenic with strong evidence (ClinVar ID: VCV001456072 /PMID: 26581383). The variant has been previously reported as assumed (i.e. paternity and maternity not confirmed) de novo in at least one similarly affected unrelated individual (PMID: 26581383). A different missense change at the same codon (p.Arg274Gln) has been reported to be associated with MFN2-related disorder (ClinVar ID: VCV000637300 /PMID: 15549395). Therefore, this variant is classified as Pathogenic according to the recommendation of ACMG/AMP guideline.

Labcorp Genetics (formerly Invitae), Labcorp
Classification: Pathogenic for Charcot-Marie-Tooth disease type 2. Last evaluated: 2025-06-22. Review status: criteria provided, single submitter. Criteria: Invitae Variant Classification Sherloc (09022015). Collection method: clinical testing. Allele origin: germline.
Comment: This sequence change replaces arginine, which is basic and polar, with tryptophan, which is neutral and slightly polar, at codon 274 of the MFN2 protein (p.Arg274Trp). This variant is present in population databases (rs762440627, gnomAD 0.006%). This missense change has been observed in individual(s) with autosomal dominant hereditary motor and sensory neuropathy with additional mild intellectual disability (PMID: 26581383). In at least one individual the variant was observed to be de novo. ClinVar contains an entry for this variant (Variation ID: 1456072). Invitae Evidence Modeling of protein sequence and biophysical properties (such as structural, functional, and spatial information, amino acid conservation, physicochemical variation, residue mobility, and thermodynamic stability) has been performed for this missense variant. However, the output from this modeling did not meet the statistical confidence thresholds required to predict the impact of this variant on MFN2 protein function. This variant disrupts the p.Arg274 amino acid residue in MFN2. Other variant(s) that disrupt this residue have been observed in individuals with MFN2-related conditions (PMID: 15064763, 26581383), which suggests that this may be a clinically significant amino acid residue. For these reasons, this variant has been classified as Pathogenic.

Blueprint Genetics
Classification: Uncertain significance. Last evaluated: 2019-02-01. Review status: criteria provided, single submitter. Criteria: ACMG Guidelines, 2015. Collection method: clinical testing. Allele origin: germline.

Juno Genomics, Hangzhou Juno Genomics, Inc
Classification: Uncertain significance for Multiple symmetric lipomatosis; Charcot-Marie-Tooth disease type 2A2; Charcot-Marie-Tooth disease, axonal, autosomal recessive, type 2a2b;; Neuropathy, hereditary motor and sensory, type 6A. Review status: criteria provided, single submitter. Criteria: ACMG Guidelines, 2015. Collection method: clinical testing. Allele origin: germline.
Comment: Absent from controls (or at extremely low frequency if recessive) in Genome Aggregation Database.;Multiple lines of computational evidence support a deleterious effect on the gene or gene product.;Assumed de novo, but without confirmation of paternity and maternity.;Patient's phenotype or family history is highly specific for a disease with a single genetic etiology.

Literature cited by the submitters: PubMed 26581383 (cited by 3billion and Labcorp Genetics (formerly Invitae), Labcorp); PubMed 15549395 (cited by 3billion); PubMed 15064763 (cited by Labcorp Genetics (formerly Invitae), Labcorp).